The following is an entry in ClinVar:

ClinVar aggregate classification (germline): Uncertain significance (1 of 4 stars; one submission).

Allele frequency attached by ClinVar (database versions not stated): ExAC below 0.00001; gnomAD exomes 0.00001; TOPMed 0.00002.
gnomAD v4.1: 19 of 1,581,836 alleles (0.0012%); highest among the groups gnomAD compares: South Asian, 0.015%; no homozygotes.

Submission:

Labcorp Genetics (formerly Invitae), Labcorp
Classification: Uncertain significance. Last evaluated: 2023-07-10. Review status: criteria provided, single submitter. Criteria: Invitae Variant Classification Sherloc (09022015). Collection method: clinical testing. Allele origin: germline.
Comment: In summary, the available evidence is currently insufficient to determine the role of this variant in disease. Therefore, it has been classified as a Variant of Uncertain Significance. An algorithm developed to predict the effect of missense changes on protein structure and function (PolyPhen-2) suggests that this variant is likely to be disruptive. ClinVar contains an entry for this variant (Variation ID: 845393). This variant has not been reported in the literature in individuals affected with PLEKHM2-related conditions. The frequency data for this variant in the population databases is considered unreliable, as metrics indicate poor data quality at this position in the gnomAD database. This sequence change replaces threonine, which is neutral and polar, with methionine, which is neutral and non-polar, at codon 900 of the PLEKHM2 protein (p.Thr900Met).

NM_015164.4(PLEKHM2):c.2699C>T (p.Thr900Met)

Gene: PLEKHM2 (pleckstrin homology and RUN domain containing M2; plus strand). Cytogenetic location: 1p36.21.
Variant type: single nucleotide variant.
Coding change: c.2699C>T on transcript NM_015164.4 (MANE Select); coding-DNA position 2699, C replaced by T.
Protein change: p.Thr900Met; replaces threonine 900 with methionine.
Molecular consequence: missense variant.
Genome position (GRCh38, 1-based): chr1:15,732,423, C>T. VCF-style: chr1-15732423-C-T. GRCh37 (hg19) VCF-style: chr1-16058918-C-T.
Other names: short protein forms T900M.
Identifiers: ClinVar variation 845393 (VCV000845393.9), dbSNP rs765432354, ClinGen allele CA617331.
Genomic context (GRCh38, chr1:15,732,423, plus strand): 5'-GCGTAGCTCCCAGCCCCTGCATACCCTGCTGCCTGGTCCTCACGGATGACCGCCTCTTTA[C>T]GTGCCATGAGGATTGCCAGACCAGCTTCTTCCGCTCTTTGGGCACAGCCAAGCTGGGCGA-3'
Protein context (NP_055979.2, residues 890-910): CLVLTDDRLF[Thr900Met]CHEDCQTSFF